The following is an entry in ClinVar:

NM_000077.5(CDKN2A):c.151G>T (p.Val51Phe)

Gene: CDKN2A (cyclin dependent kinase inhibitor 2A; minus strand). Cytogenetic location: 9p21.3.
Variant type: single nucleotide variant.
Coding change: c.151G>T on transcript NM_000077.5; coding-DNA position 151, G replaced by T.
Protein change: p.Val51Phe; replaces valine 51 with phenylalanine.
Molecular consequence: missense variant (on NM_000077.6). On other transcripts: 5 prime UTR variant (1), 3 prime UTR variant (1).
Genome position (GRCh38, 1-based): chr9:21,971,208, C>A on the plus strand (G>T on the coding strand, the complement: CDKN2A is on the minus strand). VCF-style: chr9-21971208-C-A. GRCh37 (hg19) VCF-style: chr9-21971207-C-A.
Other names: c.151G>T, p.Val51Phe (NM_000077.6, NM_001195132.2); c.-3G>T (NM_001363763.2); c.194G>T, p.Gly65Val (NM_058195.4); c.*74G>T (NM_058197.5); short protein forms V51F, G65V.
Identifiers: ClinVar variation 2735266 (VCV002735266.5), dbSNP rs762630679, ClinGen allele CA373086461.

ClinVar aggregate classification (germline): Uncertain significance. Review status: criteria provided, multiple submitters, no conflicts (2 of 4 stars). 3 submissions from 3 submitters: Uncertain significance (3). Last evaluated 2025-12-18.

Conditions:
Hereditary cancer-predisposing syndrome. Also called: Neoplastic Syndromes, Hereditary; Tumor predisposition; Hereditary neoplastic syndrome; Hereditary Cancer Syndrome. Identifiers: Orphanet 140162, MedGen C0027672, MeSH D009386, MONDO:0015356.
Familial melanoma. Also called: Hereditary melanoma; Hereditary cutaneous melanoma. Identifiers: Orphanet 618, MedGen C1512419, MONDO:0018961.
Melanoma, cutaneous malignant, susceptibility to, 2 (CMM2). Also called: Cutaneous malignant melanoma 2; CDKN2A-Related Cutaneous Malignant Melanoma. Identifiers: Orphanet 618, MedGen C1835044, MONDO:0007964, OMIM 155601.

Submissions (3):

Centre for Medical Genetics,  Mumbai
Classification: Uncertain significance for Melanoma, cutaneous malignant, susceptibility to, 2. Last evaluated: 2025-12-18. Review status: criteria provided, single submitter. Criteria: ACMG Guidelines, 2015. Collection method: provider interpretation. Allele origin: germline. Inheritance: Autosomal dominant inheritance. Affected: yes. Observed: 1 heterozygote.
Comment: The variant satisfies PM1 criteria, non-truncating variant present in a mutational hotspot. Four pathogenic or likely pathogenic variants were found in a 17 basepair region surrounding this variant without any benign missense variant. The variant satisfies PM2 criteria: extremely low frequency in gnomAD database. The variant satisfies PP3 criteria: computational prediction tools unanimously support a deleterious effect on the gene

Ambry Genetics
Classification: Uncertain significance for Hereditary cancer-predisposing syndrome. Last evaluated: 2024-12-20. Review status: criteria provided, single submitter. Criteria: Ambry Variant Classification Scheme 2023. Collection method: clinical testing. Allele origin: germline.
Comment: The p.V51F variant (also known as c.151G>T) is located in coding exon 2 of the CDKN2A gene. The valine at codon 51 is replaced by phenylalanine, an amino acid with highly similar properties. This change occurs in the first base pair of coding exon 2. This variant was reported in individual(s) with features consistent with CDKN2A-related disease (Goldstein AM et al. Cancer Res. 2006 Oct;66:9818-28; Ambry internal data). This amino acid position is well conserved in available vertebrate species. In addition, this alteration is predicted to be deleterious by in silico analysis. Of note, this alteration is also known as c.194G>T (p.Gly65Val) in the p14(ARF) isoform. Based on the available evidence, the clinical significance of this variant remains unclear.

Labcorp Genetics (formerly Invitae), Labcorp
Classification: Uncertain significance for Familial melanoma. Last evaluated: 2023-12-04. Review status: criteria provided, single submitter. Criteria: Invitae Variant Classification Sherloc (09022015). Collection method: clinical testing. Allele origin: germline.
Comment: The CDKN2A gene encodes two different proteins, p16INK4a and p14ARF, which are translated from alternative transcripts with different open reading frames. Both transcripts have been analyzed. We report either the variant with the higher classification or default to the CDKN2A (p16INK4a) variant. This report therefore includes the details for the CDKN2A (p16INK4a) variant. This sequence change replaces valine, which is neutral and non-polar, with phenylalanine, which is neutral and non-polar, at codon 51 of the CDKN2A (p16INK4a) protein (p.Val51Phe). This variant is not present in population databases (gnomAD no frequency). This missense change has been observed in individual(s) with familial cutaneous melanoma (PMID: 17047042). This variant is also known as c.194G>T (p.Gly65Val) in CDKN2A (p14ARF) transcript. An algorithm developed to predict the effect of missense changes on protein structure and function (PolyPhen-2) suggests that this variant is likely to be disruptive. In summary, the available evidence is currently insufficient to determine the role of this variant in disease. Therefore, it has been classified as a Variant of Uncertain Significance.

Literature cited by the submitters: PubMed 7987388 (cited by Centre for Medical Genetics,  Mumbai); PubMed 17047042 (cited by Ambry Genetics and Labcorp Genetics (formerly Invitae), Labcorp).